The following is an entry in ClinVar:

NM_002351.5(SH2D1A):c.203C>T (p.Thr68Ile)

Gene: SH2D1A (SH2 domain containing 1A; plus strand). Cytogenetic location: Xq25.
Variant type: single nucleotide variant.
Coding change: c.203C>T on transcript NM_002351.5 (MANE Select); coding-DNA position 203, C replaced by T.
Protein change: p.Thr68Ile; replaces threonine 68 with isoleucine.
Molecular consequence: missense variant.
Genome position (GRCh38, 1-based): chrX:124,370,177, C>T. VCF-style: chrX-124370177-C-T. GRCh37 (hg19) VCF-style: chrX-123504027-C-T.
Other names: c.203C>T, p.Thr68Ile (NM_001114937.3); short protein forms T68I.
Identifiers: ClinVar variation 10905 (VCV000010905.5), dbSNP rs111033627, ClinGen allele CA255602.

ClinVar aggregate classification (germline): Uncertain significance. Review status: criteria provided, single submitter (1 of 4 stars). 2 submissions from 2 submitters: Uncertain significance (1). 1 of the submissions does not count toward it. Last evaluated 2022-09-18.

Conditions:
X-linked lymphoproliferative disease due to SH2D1A deficiency (XLP1). Also called: IMMUNODEFICIENCY 5; IMMUNODEFICIENCY, X-LINKED PROGRESSIVE COMBINED VARIABLE; INFECTIOUS MONONUCLEOSIS, SEVERE, SUSCEPTIBILITY TO; DUNCAN DISEASE; PURTILO SYNDROME; SH2D1A-Related Lymphoproliferative Disease, X-Linked. Identifiers: Orphanet 2442, Orphanet 538931, MedGen C5399825, MONDO:0024551, OMIM 308240.

Submissions (2):

Labcorp Genetics (formerly Invitae), Labcorp
Classification: Uncertain significance for X-linked lymphoproliferative disease due to SH2D1A deficiency. Last evaluated: 2022-09-18. Review status: criteria provided, single submitter. Criteria: Invitae Variant Classification Sherloc (09022015). Collection method: clinical testing. Allele origin: germline.
Comment: This missense change has been observed in individuals with X-linked recessive lymphoproliferative syndrome (PMID: 9771704, 11414741). This variant is also known as 502C>T. Algorithms developed to predict the effect of missense changes on protein structure and function (SIFT, PolyPhen-2, Align-GVGD) all suggest that this variant is likely to be disruptive. Experimental studies have shown that this missense change affects SH2D1A function (PMID: 11414741, 11477068). In summary, the available evidence is currently insufficient to determine the role of this variant in disease. Therefore, it has been classified as a Variant of Uncertain Significance. ClinVar contains an entry for this variant (Variation ID: 10905). This sequence change replaces threonine, which is neutral and polar, with isoleucine, which is neutral and non-polar, at codon 68 of the SH2D1A protein (p.Thr68Ile). This variant is not present in population databases (gnomAD no frequency).

OMIM
Classification: Pathogenic for LYMPHOPROLIFERATIVE SYNDROME, X-LINKED, 1. Last evaluated: 1998-10-01. Review status: no assertion criteria provided. Collection method: literature only. Allele origin: germline. Not counted in ClinVar's aggregate classification.

Literature cited by the submitters: PubMed 9771704 (cited by Labcorp Genetics (formerly Invitae), Labcorp and OMIM); PubMed 11414741 (cited by Labcorp Genetics (formerly Invitae), Labcorp); PubMed 11477068 (cited by Labcorp Genetics (formerly Invitae), Labcorp).